The following is an entry in ClinVar:

NM_001330260.2(SCN8A):c.459C>A (p.Asn153Lys)

Gene: SCN8A (sodium voltage-gated channel alpha subunit 8; plus strand). Cytogenetic location: 12q13.13.
Variant type: single nucleotide variant.
Coding change: c.459C>A on transcript NM_001330260.2 (MANE Select); coding-DNA position 459, C replaced by A.
Protein change: p.Asn153Lys; replaces asparagine 153 with lysine.
Molecular consequence: missense variant.
Genome position (GRCh38, 1-based): chr12:51,686,431, C>A. VCF-style: chr12-51686431-C-A. GRCh37 (hg19) VCF-style: chr12-52080215-C-A.
Other names: c.459C>A, p.Asn153Lys (NM_001177984.3, NM_001369788.1, NM_014191.4); short protein forms N153K.
Identifiers: ClinVar variation 1467135 (VCV001467135.9), dbSNP rs2138711905, ClinGen allele CA385221816.

ClinVar aggregate classification (germline): Uncertain significance (1 of 4 stars; one submission).

Conditions:
Early-infantile DEE. Also called: Ohtahara syndrome; Early infantile epileptic encephalopathy with suppression bursts; Early infantile epileptic encephalopathy. Identifiers: Orphanet 1934, MedGen C0393706, MONDO:0800491.

Submission:

Labcorp Genetics (formerly Invitae), Labcorp
Classification: Uncertain significance for Early-infantile DEE. Last evaluated: 2022-05-24. Review status: criteria provided, single submitter. Criteria: Invitae Variant Classification Sherloc (09022015). Collection method: clinical testing. Allele origin: germline.
Comment: This sequence change replaces asparagine, which is neutral and polar, with lysine, which is basic and polar, at codon 153 of the SCN8A protein (p.Asn153Lys). In summary, the available evidence is currently insufficient to determine the role of this variant in disease. Therefore, it has been classified as a Variant of Uncertain Significance. Algorithms developed to predict the effect of missense changes on protein structure and function are either unavailable or do not agree on the potential impact of this missense change (SIFT: "Deleterious"; PolyPhen-2: "Benign"; Align-GVGD: "Class C0"). This missense change has been observed in individual(s) with clinical features of primary dystonia (Invitae). This variant is not present in population databases (gnomAD no frequency).